The following is an entry in ClinVar:

ClinVar aggregate classification (germline): Uncertain significance (1 of 4 stars; one submission).

gnomAD v4.1: 7 of 1,613,446 alleles (0.00043%); highest among the groups gnomAD compares: African/African-American, 0.004%; no homozygotes.

Submission:

Labcorp Genetics (formerly Invitae), Labcorp
Classification: Uncertain significance. Last evaluated: 2024-10-29. Review status: criteria provided, single submitter. Criteria: Invitae Variant Classification Sherloc (09022015). Collection method: clinical testing. Allele origin: germline.
Comment: This sequence change replaces isoleucine, which is neutral and non-polar, with asparagine, which is neutral and polar, at codon 656 of the KIAA1161 protein (p.Ile656Asn). This variant is present in population databases (rs370944350, gnomAD 0.007%). This variant has not been reported in the literature in individuals affected with KIAA1161-related conditions. Invitae Evidence Modeling of protein sequence and biophysical properties (such as structural, functional, and spatial information, amino acid conservation, physicochemical variation, residue mobility, and thermodynamic stability) indicates that this missense variant is expected to disrupt KIAA1161 protein function with a positive predictive value of 80%. This variant disrupts the p.Ile656 amino acid residue in KIAA1161. Other variant(s) that disrupt this residue have been determined to be pathogenic (PMID: 30649222, 31009047, 31951047, 32211515). This suggests that this residue is clinically significant, and that variants that disrupt this residue are likely to be disease-causing. In summary, the available evidence is currently insufficient to determine the role of this variant in disease. Therefore, it has been classified as a Variant of Uncertain Significance.

Literature cited by the submitters: PubMed 30649222; PubMed 31009047; PubMed 31951047; PubMed 32211515.

NM_020702.5(MYORG):c.1967T>A (p.Ile656Asn)

Gene: MYORG (myogenesis regulating glycosidase; minus strand). Cytogenetic location: 9p13.3.
Variant type: single nucleotide variant.
Coding change: c.1967T>A on transcript NM_020702.5 (MANE Select); coding-DNA position 1967, T replaced by A.
Protein change: p.Ile656Asn; replaces isoleucine 656 with asparagine.
Molecular consequence: missense variant.
Genome position (GRCh38, 1-based): chr9:34,370,977, A>T on the plus strand (T>A on the coding strand, the complement: MYORG is on the minus strand). VCF-style: chr9-34370977-A-T. GRCh37 (hg19) VCF-style: chr9-34370975-A-T.
Other names: short protein forms I656N.
Identifiers: ClinVar variation 3619371 (VCV003619371.2).